The following is an entry in ClinVar:

NM_000257.4(MYH7):c.5203T>A (p.Ser1735Thr)

Genes: MHRT (myosin heavy chain associated RNA transcript; plus strand), MYH7 (myosin heavy chain 7; minus strand), LOC126861897 (BRD4-independent group 4 enhancer GRCh37_chr14:23884455-23885654; plus strand). Cytogenetic location: 14q11.2.
Variant type: single nucleotide variant.
Coding change: c.5203T>A on transcript NM_000257.4 (MANE Select); coding-DNA position 5203, T replaced by A.
Protein change: p.Ser1735Thr; replaces serine 1735 with threonine.
Molecular consequence: missense variant. On other transcripts: non-coding transcript variant (1).
Genome position (GRCh38, 1-based): chr14:23,415,461, A>T on the plus strand (T>A on the coding strand, the complement: MYH7 is on the minus strand). VCF-style: chr14-23415461-A-T. GRCh37 (hg19) VCF-style: chr14-23884670-A-T.
Other names: p.S1735T:TCC>ACC; c.5203T>A (LRG_384t1); short protein forms S1735T.
Identifiers: ClinVar variation 181272 (VCV000181272.37), dbSNP rs144066768, ClinGen allele CA015770.

ClinVar aggregate classification (germline): Conflicting classifications of pathogenicity. Review status: criteria provided, conflicting classifications (1 of 4 stars). 8 submissions from 8 submitters: Uncertain significance (7); Likely benign (1). Last evaluated 2026-01-10.

Conditions:
Cardiovascular phenotype. Identifiers: MedGen CN230736.
Hypertrophic cardiomyopathy 1 (CMH1). Also called: Familial hypertrophic cardiomyopathy 1; MYH7-Related Familial Hypertrophic Cardiomyopathy. Identifiers: MedGen C3495498, MONDO:0008647, OMIM 192600.
Congenital myopathy with fiber type disproportion. Also called: Congenital fiber-type disproportion; Congenital fiber-type disproportion myopathy. Identifiers: Orphanet 2020, MedGen C0546264, MONDO:0009711. Inheritance: all.
Myopathy, myosin storage, autosomal recessive (CMYO7B). Also called: CONGENITAL MYOPATHY 7B, MYOSIN STORAGE, AUTOSOMAL RECESSIVE. Identifiers: Orphanet 636970, MedGen C1850709, MONDO:0009708, OMIM 255160.
Myosin storage myopathy (CMYO7A). Also called: MYH7-related late-onset scapuloperoneal muscular dystrophy; Congenital myopathy 7A, myosin storage, autosomal dominant; MYOPATHY, HYALINE BODY, AUTOSOMAL DOMINANT; SCAPULOPERONEAL MUSCULAR DYSTROPHY; SCAPULOPERONEAL SYNDROME, MYOPATHIC TYPE; MYOPATHY WITH LYSIS OF TYPE I MYOFIBRILS. Identifiers: Orphanet 437572, Orphanet 636965, MedGen C1842160, MONDO:0008409, OMIM 608358.
Dilated cardiomyopathy 1S (CMD1S). Identifiers: Orphanet 154, Orphanet 54260, MedGen C1834481, MONDO:0013262, OMIM 613426.
MYH7-related skeletal myopathy. Also called: Laing early-onset distal myopathy; MYOPATHY, DISTAL, EARLY-ONSET, AUTOSOMAL DOMINANT; MYOPATHY, LATE DISTAL HEREDITARY; Myopathy, distal, 1; Laing distal myopathy. Identifiers: Orphanet 59135, MedGen C4552004, MONDO:0008050, OMIM 160500.
Cardiomyopathy (CMYO). Also called: Cardiomyopathies. Identifiers: Orphanet 167848, MedGen C0878544, MONDO:0004994, HP:0001638. Inheritance: Various modes of inheritance.
Hypertrophic cardiomyopathy. Also called: HYPERTROPHIC MYOCARDIOPATHY. Identifiers: Orphanet 217569, MedGen C0007194, MeSH D002312, MONDO:0005045, HP:0001639.

Allele frequency attached by ClinVar (database versions not stated): gnomAD 0.00001; gnomAD exomes 0.00002; ExAC 0.00003; TOPMed 0.00003; ESP Exome Variant Server 0.00008.
gnomAD v4.1: 28 of 1,614,004 alleles (0.0017%); highest among the groups gnomAD compares: Non-Finnish European, 0.0023%; no homozygotes.

Submissions (8):

Labcorp Genetics (formerly Invitae), Labcorp
Classification: Uncertain significance for Hypertrophic cardiomyopathy. Last evaluated: 2026-01-10. Review status: criteria provided, single submitter. Criteria: Invitae Variant Classification Sherloc (09022015). Collection method: clinical testing. Allele origin: germline.
Comment: This sequence change replaces serine, which is neutral and polar, with threonine, which is neutral and polar, at codon 1735 of the MYH7 protein (p.Ser1735Thr). This variant is present in population databases (rs144066768, gnomAD 0.006%). This missense change has been observed in individual(s) with Brugada syndrome and/or hypertrophic cardiomyopathy (PMID: 26220970, 33297573, 37652022). ClinVar contains an entry for this variant (Variation ID: 181272). Invitae Evidence Modeling of protein sequence and biophysical properties (such as structural, functional, and spatial information, amino acid conservation, physicochemical variation, residue mobility, and thermodynamic stability) indicates that this missense variant is not expected to disrupt MYH7 protein function with a negative predictive value of 95%. In summary, the available evidence is currently insufficient to determine the role of this variant in disease. Therefore, it has been classified as a Variant of Uncertain Significance.

GeneDx
Classification: Uncertain significance. Last evaluated: 2025-12-11. Review status: criteria provided, single submitter. Criteria: GeneDx Variant Classification Process June 2021. Collection method: clinical testing. Allele origin: germline. Affected: yes.
Comment: Identified in an individual with Brugada syndrome, however this individual harbored variants in other genes that may have also contributed to the phenotype (PMID: 26220970); Not observed at significant frequency in large population cohorts (gnomAD); In silico analysis suggests that this missense variant does not alter protein structure/function; This variant is associated with the following publications: (PMID: 31983221, 33297573, 37652022, 26220970)

Ambry Genetics
Classification: Likely benign for Cardiovascular phenotype. Last evaluated: 2025-09-26. Review status: criteria provided, single submitter. Criteria: Ambry Variant Classification Scheme 2023. Collection method: clinical testing. Allele origin: germline.

Dasa
Classification: Uncertain significance. Last evaluated: 2025-08-07. Review status: criteria provided, single submitter. Criteria: DASA Assertion Criteria. Collection method: clinical testing. Allele origin: germline.
Comment: NM_000257.4(MYH7):c.5203T>A (p.Ser1735Thr) is a missense variant that results in the substitution of serine with threonine. This variant has been reported in individuals with MYH7-related disorders. Also, this variant is rare in population databases. The currently available literature and clinical evidence are not sufficient to establish a definitive association between this variant and the reported condition. Therefore, this variant is classified as a variant of uncertain significance.

Blueprint Genetics
Classification: Uncertain significance. Last evaluated: 2024-08-12. Review status: criteria provided, single submitter. Criteria: ACMG Guidelines, 2015. Collection method: clinical testing. Allele origin: germline.

Color Diagnostics, LLC DBA Color Health
Classification: Uncertain significance for Cardiomyopathy. Last evaluated: 2024-07-26. Review status: criteria provided, single submitter. Criteria: ACMG Guidelines, 2015. Collection method: clinical testing. Allele origin: germline.
Comment: This missense variant replaces serine with threonine at codon 1735 of the MYH7 protein. Computational prediction tools indicate that this variant has a neutral impact on protein structure and function. To our knowledge, functional studies have not been reported for this variant. This variant has been reported in an individual affected with hypertrophic cardiomyopathy (PMID: 33297573) as well as in an unaffected individual (PMID: 31983221). This variant has also been identified in 5/251480 chromosomes in the general population by the Genome Aggregation Database (gnomAD). The available evidence is insufficient to determine the role of this variant in disease conclusively. Therefore, this variant is classified as a Variant of Uncertain Significance.

All of Us Research Program, National Institutes of Health
Classification: Uncertain significance for Cardiomyopathy. Last evaluated: 2023-11-20. Review status: criteria provided, single submitter. Criteria: ACMG Guidelines, 2015. Collection method: clinical testing. Allele origin: germline. Inheritance: Autosomal dominant inheritance. Observed: 6 variant alleles, 6 heterozygotes.
Comment: This missense variant replaces serine with threonine at codon 1735 of the MYH7 protein. Computational prediction suggests that this variant may not impact protein structure and function (internally defined REVEL score threshold <= 0.5, PMID: 27666373). To our knowledge, functional studies have not been reported for this variant. This variant has been reported in an individual affected with hypertrophic cardiomyopathy (PMID: 33297573) as well as in a healthy individual (PMID: 31983221). This variant has also been identified in 5/251480 chromosomes in the general population by the Genome Aggregation Database (gnomAD). The available evidence is insufficient to determine the role of this variant in disease conclusively. Therefore, this variant is classified as a Variant of Uncertain Significance.

This study involves interpretation of variants in research participants for the purpose of population health screening. Participant phenotype was not available at the time of variant classification. Additional details can be found in publication PMID: 35346344, PMCID: PMC8962531

Fulgent Genetics
Classification: Uncertain significance for MYH7-related skeletal myopathy; Myosin storage myopathy; Hypertrophic cardiomyopathy 1; Myopathy, myosin storage, autosomal recessive; Congenital myopathy 4A, autosomal dominant; Dilated cardiomyopathy 1S. Last evaluated: 2021-08-02. Review status: criteria provided, single submitter. Criteria: ACMG Guidelines, 2015. Collection method: clinical testing. Allele origin: unknown.

Literature cited by the submitters: PubMed 26220970 (cited by Labcorp Genetics (formerly Invitae), Labcorp and Ambry Genetics); PubMed 33297573 (cited by 4 submitters); PubMed 37652022 (cited by Labcorp Genetics (formerly Invitae), Labcorp); PubMed 29773157 (cited by Ambry Genetics); PubMed 31983221 (cited by 3 submitters).